The following is an entry in ClinVar:

ClinVar aggregate classification (germline): Pathogenic (1 of 4 stars; one submission).

Conditions:
Junctional epidermolysis bullosa. Identifiers: Orphanet 305, MedGen C0079301, MONDO:0017612.

Submission:

Myriad Genetics, Inc.
Classification: Pathogenic for Junctional epidermolysis bullosa. Last evaluated: 2023-09-27. Review status: criteria provided, single submitter. Criteria: Myriad Autosomal Dominant, Autosomal Recessive and X-Linked Classification Criteria (2023). Collection method: clinical testing. Allele origin: unknown.
Comment: NM_000228.2(LAMB3):c.378dupC(M127Hfs*8) is expected to be pathogenic in the context of junctional epidermolysis bullosa, LAMB3-related. This variant is predicted to lead to an abnormal or absent protein product due to the creation of a premature termination codon in LAMB3, a gene where loss-of-function variants are known to be pathogenic. Please note: this variant was assessed in the context of healthy population screening.

NM_000228.3(LAMB3):c.378dup (p.Met127fs)

Gene: LAMB3 (laminin subunit beta 3; minus strand). Cytogenetic location: 1q32.2.
Variant type: Duplication.
Coding change: c.378dup on transcript NM_000228.3 (MANE Select); coding-DNA position 378, one base duplicated (C; older notation c.378dupC).
Protein change: p.Met127fs; shifts the reading frame from methionine 127.
Molecular consequence: frameshift variant.
Genome position (GRCh38, 1-based): chr1:209,634,633, G duplicated on the plus strand (C on the coding strand, the reverse complement: LAMB3 is on the minus strand); the first of 3 consecutive G bases (chr1:209,634,633-209,634,635); duplicating any one gives the same sequence. VCF-style (leftmost placement, unchanged base first): chr1-209634632-T-TG. GRCh37 (hg19) VCF-style: chr1-209807977-T-TG.
Other names: c.378dup, p.Met127fs (NM_001017402.2, NM_001127641.1); short protein forms M127fs.
Identifiers: ClinVar variation 5012304 (VCV005012304.1).